The following is an entry in ClinVar:

NM_017541.4(CRYGS):c.23T>A (p.Ile8Asn)

Gene: CRYGS (crystallin gamma S; minus strand). Cytogenetic location: 3q27.3.
Variant type: single nucleotide variant.
Coding change: c.23T>A on transcript NM_017541.4 (MANE Select); coding-DNA position 23, T replaced by A.
Protein change: p.Ile8Asn; replaces isoleucine 8 with asparagine.
Molecular consequence: missense variant.
Genome position (GRCh38, 1-based): chr3:186,539,596, A>T on the plus strand (T>A on the coding strand, the complement: CRYGS is on the minus strand). VCF-style: chr3-186539596-A-T. GRCh37 (hg19) VCF-style: chr3-186257385-A-T.
Other names: short protein forms I8N.
Identifiers: ClinVar variation 1098390 (VCV001098390.2), dbSNP rs2108743641, ClinGen allele CA355705122.

ClinVar aggregate classification (germline): Likely pathogenic (1 of 4 stars; one submission).

Submission:

Genetics Laboratory, UDIAT-Centre Diagnòstic, Hospital Universitari Parc Tauli
Classification: Likely pathogenic. Last evaluated: 2021-04-26. Review status: criteria provided, single submitter. Criteria: Parc Tauli Hospital Assertion Criteria 2021. Collection method: clinical testing. Allele origin: maternal. Inheritance: Autosomal dominant inheritance. Affected: yes. Observed: 1 heterozygote.
Comment: PP3_strong;PM1_moderate;PM2_supporting;BP1_supporting